The following is an entry in ClinVar:

NM_001001331.4(ATP2B2):c.2385C>G (p.Asp795Glu)

Gene: ATP2B2 (ATPase plasma membrane Ca2+ transporting 2; minus strand). Cytogenetic location: 3p25.3.
Variant type: single nucleotide variant.
Coding change: c.2385C>G on transcript NM_001001331.4 (MANE Select); coding-DNA position 2385, C replaced by G.
Protein change: p.Asp795Glu; replaces aspartic acid 795 with glutamic acid.
Molecular consequence: missense variant.
Genome position (GRCh38, 1-based): chr3:10,350,131, G>C on the plus strand (C>G on the coding strand, the complement: ATP2B2 is on the minus strand). VCF-style: chr3-10350131-G-C. GRCh37 (hg19) VCF-style: chr3-10391815-G-C.
Other names: c.2250C>G (NM_001683.3); c.2250C>G, p.Asp750Glu (NM_001330611.3, NM_001353564.1, NM_001363862.1 and 1 more transcripts); short protein forms D750E, D795E.
Identifiers: ClinVar variation 2583007 (VCV002583007.26), dbSNP rs1334731513, ClinGen allele CA351779409.

ClinVar aggregate classification (germline): Uncertain significance. Review status: criteria provided, multiple submitters, no conflicts (2 of 4 stars). 2 submissions from 2 submitters: Uncertain significance (2). Last evaluated 2025-08-30.

Allele frequency attached by ClinVar (database versions not stated): TOPMed 0.00001.
gnomAD v4.1: 4 of 1,613,826 alleles (0.00025%); highest among the groups gnomAD compares: Non-Finnish European, 0.00034%; no homozygotes.

Submissions (2):

Ambry Genetics
Classification: Uncertain significance. Last evaluated: 2025-08-30. Review status: criteria provided, single submitter. Criteria: Ambry Variant Classification Scheme 2023. Collection method: clinical testing. Allele origin: germline.

CeGaT Center for Human Genetics Tuebingen
Classification: Uncertain significance. Last evaluated: 2023-09-01. Review status: criteria provided, single submitter. Criteria: CeGaT Center For Human Genetics Tuebingen Variant Classification Criteria Version 2. Collection method: clinical testing. Allele origin: germline. Affected: yes. Observed: 1 variant allele.
Comment: ATP2B2: PM2, PP2, PP3